The following is an entry in ClinVar:

ClinVar aggregate classification (germline): Uncertain significance (1 of 4 stars; one submission).

Conditions:
Fanconi anemia complementation group J. Also called: BRIP1-Related Fanconi Anemia. Identifiers: Orphanet 84, MedGen C1836860, MONDO:0012187, OMIM 609054.
Familial cancer of breast. Also called: hereditary breast carcinoma; Hereditary breast cancer; BREAST CANCER, FAMILIAL. Identifiers: Orphanet 227535, MedGen C0346153, MONDO:0016419, OMIM 114480. Disease mechanism: loss of function.

Submission:

Labcorp Genetics (formerly Invitae), Labcorp
Classification: Uncertain significance for Familial cancer of breast; Fanconi anemia complementation group J. Last evaluated: 2020-08-14. Review status: criteria provided, single submitter. Criteria: Invitae Variant Classification Sherloc (09022015). Collection method: clinical testing. Allele origin: germline.
Comment: This variant has not been reported in the literature in individuals with BRIP1-related conditions. This sequence change replaces glutamic acid with valine at codon 626 of the BRIP1 protein (p.Glu626Val). The glutamic acid residue is highly conserved and there is a moderate physicochemical difference between glutamic acid and valine. This variant is not present in population databases (ExAC no frequency). Algorithms developed to predict the effect of missense changes on protein structure and function (SIFT, PolyPhen-2, Align-GVGD) all suggest that this variant is likely to be disruptive, but these predictions have not been confirmed by published functional studies and their clinical significance is uncertain. In summary, the available evidence is currently insufficient to determine the role of this variant in disease. Therefore, it has been classified as a Variant of Uncertain Significance.

NM_032043.3(BRIP1):c.1877A>T (p.Glu626Val)

Gene: BRIP1 (BRCA1 interacting DNA helicase 1; minus strand). Cytogenetic location: 17q23.2.
Variant type: single nucleotide variant.
Coding change: c.1877A>T on transcript NM_032043.3 (MANE Select); coding-DNA position 1877, A replaced by T.
Protein change: p.Glu626Val; replaces glutamic acid 626 with valine.
Molecular consequence: missense variant.
Genome position (GRCh38, 1-based): chr17:61,780,319, T>A on the plus strand (A>T on the coding strand, the complement: BRIP1 is on the minus strand). VCF-style: chr17-61780319-T-A. GRCh37 (hg19) VCF-style: chr17-59857680-T-A.
Other names: short protein forms E626V.
Identifiers: ClinVar variation 1051949 (VCV001051949.10), dbSNP rs2145077565, ClinGen allele CA400480047.
Genomic context (GRCh38, chr17:61,780,319, plus strand): 5'-ACCTGTGAATTTTTAATGATATGATTAGCCTCCAGCTGGATAGTAAATGTAACACCAAGT[T>A]CTGACGAAAAGGATTTCATTGGTGATAATGTACCAGATGTCAAAACAATGGTCTGAACTT-3'
Protein context (NP_114432.2, residues 616-636): TLSPMKSFSS[Glu626Val]LGVTFTIQLE